The following is an entry in ClinVar:

NM_002653.5(PITX1):c.526G>A (p.Ala176Thr)

Gene: PITX1 (paired like homeodomain 1; minus strand). Cytogenetic location: 5q31.1.
Variant type: single nucleotide variant.
Coding change: c.526G>A on transcript NM_002653.5 (MANE Select); coding-DNA position 526, G replaced by A.
Protein change: p.Ala176Thr; replaces alanine 176 with threonine.
Molecular consequence: missense variant.
Genome position (GRCh38, 1-based): chr5:135,029,198, C>T on the plus strand (G>A on the coding strand, the complement: PITX1 is on the minus strand). VCF-style: chr5-135029198-C-T. GRCh37 (hg19) VCF-style: chr5-134364888-C-T.
Other names: short protein forms A176T.
Identifiers: ClinVar variation 3006244 (VCV003006244.3), dbSNP rs773259804, ClinGen allele CA3417588.

ClinVar aggregate classification (germline): Uncertain significance (1 of 4 stars; one submission).

Allele frequency attached by ClinVar (database versions not stated): gnomAD exomes below 0.00001; ExAC 0.00001; TOPMed 0.00002.
gnomAD v4.1: 3 of 1,614,072 alleles (0.00019%); highest among the groups gnomAD compares: Admixed American, 0.0017%; no homozygotes.

Submission:

Labcorp Genetics (formerly Invitae), Labcorp
Classification: Uncertain significance. Last evaluated: 2025-07-28. Review status: criteria provided, single submitter. Criteria: Invitae Variant Classification Sherloc (09022015). Collection method: clinical testing. Allele origin: germline.
Comment: This sequence change replaces alanine, which is neutral and non-polar, with threonine, which is neutral and polar, at codon 176 of the PITX1 protein (p.Ala176Thr). This variant is present in population databases (rs773259804, gnomAD 0.003%). This variant has not been reported in the literature in individuals affected with PITX1-related conditions. ClinVar contains an entry for this variant (Variation ID: 3006244). Invitae Evidence Modeling of protein sequence and biophysical properties (such as structural, functional, and spatial information, amino acid conservation, physicochemical variation, residue mobility, and thermodynamic stability) indicates that this missense variant is not expected to disrupt PITX1 protein function with a negative predictive value of 80%. In summary, the available evidence is currently insufficient to determine the role of this variant in disease. Therefore, it has been classified as a Variant of Uncertain Significance.